The following is an entry in ClinVar:

ClinVar aggregate classification (germline): Uncertain significance. Review status: criteria provided, multiple submitters, no conflicts (2 of 4 stars). 7 submissions from 7 submitters: Uncertain significance (5). 2 of the submissions do not count toward it. Last evaluated 2026-04-14.

Conditions:
CFTR-related disorder (CFTR-RD). Also called: CFTR-related disorders; CFTR-related condition. Identifiers: MedGen C5924204, MONDO:7770004.
Cystic fibrosis (CF). Also called: MUCOVISCIDOSIS. Identifiers: Orphanet 586, MedGen C0010674, MONDO:0009061, OMIM 219700. Disease mechanism: loss of function.
Hereditary pancreatitis (PCTT). Also called: PRSS1-Related Hereditary Pancreatitis; Hereditary chronic pancreatitis. Identifiers: Orphanet 676, MedGen C0238339, MONDO:0008185, OMIM 167800.

Allele frequency attached by ClinVar (database versions not stated): gnomAD exomes 0.00001; TOPMed 0.00001; ExAC 0.00001.
gnomAD v4.1: 14 of 1,611,650 alleles (0.00087%); highest among the groups gnomAD compares: Admixed American, 0.0033%; no homozygotes.

Submissions (7):

Women's Health and Genetics/Laboratory Corporation of America, LabCorp
Classification: Uncertain significance. Last evaluated: 2026-04-14. Review status: criteria provided, single submitter. Criteria: LabCorp Variant Classification Summary - May 2015. Collection method: clinical testing. Allele origin: germline.
Comment: Variant summary: CFTR c.3444C>A (p.Asn1148Lys) results in a non-conservative amino acid change in the encoded protein sequence. Algorithms developed to predict the effect of missense changes on protein structure and function are either unavailable or do not agree on the potential impact of this missense change. The variant allele was found at a frequency of 1.2e-05 in 251016 control chromosomes. The available data on variant occurrences in the general population are insufficient to allow any conclusion about variant significance. c.3444C>A has been reported in at least one individual without clinical information (de Cid_2010). These report(s) do not provide unequivocal conclusions about association of the variant with Cystic Fibrosis. To our knowledge, no experimental evidence demonstrating an impact on protein function has been reported. The following publications have been ascertained in the context of this evaluation (PMID: 19812525, 25735457). ClinVar contains an entry for this variant (Variation ID: 53745). Based on the evidence outlined above, the variant was classified as uncertain significance.

Ambry Genetics
Classification: Uncertain significance for Cystic fibrosis. Last evaluated: 2025-03-07. Review status: criteria provided, single submitter. Criteria: Ambry Variant Classification Scheme 2023. Collection method: clinical testing. Allele origin: germline.
Comment: The p.N1148K variant (also known as c.3444C>A), located in coding exon 21 of the CFTR gene, results from a C to A substitution at nucleotide position 3444. The asparagine at codon 1148 is replaced by lysine, an amino acid with similar properties. This amino acid position is well conserved in available vertebrate species. In addition, the in silico prediction for this alteration is inconclusive. Based on the available evidence, the clinical significance of this variant remains unclear.

GeneDx
Classification: Uncertain significance. Last evaluated: 2024-06-05. Review status: criteria provided, single submitter. Criteria: GeneDx Variant Classification Process June 2021. Collection method: clinical testing. Allele origin: germline. Affected: yes.
Comment: In silico analysis indicates that this missense variant does not alter protein structure/function; Identified in heterozygous state in a control population, but has not been previously published as pathogenic or benign to our knowledge; This variant is associated with the following publications: (PMID: 19812525)

Genome-Nilou Lab
Classification: Uncertain significance for Cystic fibrosis. Last evaluated: 2021-09-05. Review status: criteria provided, single submitter. Criteria: ACMG Guidelines, 2015. Collection method: clinical testing. Allele origin: germline. Affected: no.

Centre for Mendelian Genomics, University Medical Centre Ljubljana
Classification: Uncertain significance for Hereditary pancreatitis. Last evaluated: 2019-01-22. Review status: criteria provided, single submitter. Criteria: ACMG Guidelines, 2015. Collection method: clinical testing. Allele origin: unknown. Affected: yes.
Comment: This variant was classified as: Uncertain significance. The available evidence on this variant's pathogenicity is insufficient or conflicting. The following ACMG criteria were applied in classifying this variant: PM2,PP3.

Natera, Inc.
Classification: Uncertain significance for CFTR-related disorders. Last evaluated: 2018-08-13. Review status: no assertion criteria provided. Collection method: clinical testing. Allele origin: germline. Not counted in ClinVar's aggregate classification.

Counsyl
Classification: Uncertain significance for Cystic fibrosis. Last evaluated: 2017-10-24. Review status: no assertion criteria provided. Collection method: clinical testing. Allele origin: unknown. Not counted in ClinVar's aggregate classification.

Literature cited by the submitters: PubMed 19812525 (cited by Women's Health and Genetics/Laboratory Corporation of America, LabCorp); PubMed 25735457 (cited by Women's Health and Genetics/Laboratory Corporation of America, LabCorp).

NM_000492.4(CFTR):c.3444C>A (p.Asn1148Lys)

Genes: CFTR (CF transmembrane conductance regulator; plus strand), CFTR-AS2 (CFTR antisense RNA 2; minus strand). Cytogenetic location: 7q31.2.
Variant type: single nucleotide variant.
Coding change: c.3444C>A on transcript NM_000492.4 (MANE Select); coding-DNA position 3444, C replaced by A.
Protein change: p.Asn1148Lys; replaces asparagine 1148 with lysine.
Molecular consequence: missense variant.
Genome position (GRCh38, 1-based): chr7:117,614,689, C>A. VCF-style: chr7-117614689-C-A. GRCh37 (hg19) VCF-style: chr7-117254743-C-A.
Other names: short protein forms N1148K.
Identifiers: ClinVar variation 53745 (VCV000053745.14), dbSNP rs397508565, ClinGen allele CA327191.